The following is an entry in ClinVar:

NM_003738.5(PTCH2):c.38G>A (p.Ser13Asn)

Gene: PTCH2 (patched 2; minus strand). Cytogenetic location: 1p34.1.
Variant type: single nucleotide variant.
Coding change: c.38G>A on transcript NM_003738.5 (MANE Select); coding-DNA position 38, G replaced by A.
Protein change: p.Ser13Asn; replaces serine 13 with asparagine.
Molecular consequence: missense variant.
Genome position (GRCh38, 1-based): chr1:44,842,895, C>T on the plus strand (G>A on the coding strand, the complement: PTCH2 is on the minus strand). VCF-style: chr1-44842895-C-T. GRCh37 (hg19) VCF-style: chr1-45308567-C-T.
Other names: c.38G>A, p.Ser13Asn (NM_001166292.2); short protein forms S13N.
Identifiers: ClinVar variation 942764 (VCV000942764.10), dbSNP rs1654018544, ClinGen allele CA340111289.

ClinVar aggregate classification (germline): Uncertain significance (1 of 4 stars; one submission).

Conditions:
Gorlin syndrome. Also called: Nevoid Basal Cell Carcinoma Syndrome; Basal cell nevus syndrome. Identifiers: Orphanet 377, MedGen C0004779, MONDO:0007187.

Allele frequency attached by ClinVar (database versions not stated): gnomAD exomes below 0.00001.
gnomAD v4.1: 2 of 1,550,546 alleles (0.00013%); highest among the groups gnomAD compares: Non-Finnish European, 0.00017%; no homozygotes.

Submission:

Labcorp Genetics (formerly Invitae), Labcorp
Classification: Uncertain significance for Gorlin syndrome. Last evaluated: 2024-03-18. Review status: criteria provided, single submitter. Criteria: Invitae Variant Classification Sherloc (09022015). Collection method: clinical testing. Allele origin: germline.
Comment: This sequence change replaces serine, which is neutral and polar, with asparagine, which is neutral and polar, at codon 13 of the PTCH2 protein (p.Ser13Asn). This variant is not present in population databases (gnomAD no frequency). This variant has not been reported in the literature in individuals affected with PTCH2-related conditions. ClinVar contains an entry for this variant (Variation ID: 942764). Algorithms developed to predict the effect of missense changes on protein structure and function output the following: SIFT: "Not Available"; PolyPhen-2: "Benign"; Align-GVGD: "Not Available". The asparagine amino acid residue is found in multiple mammalian species, which suggests that this missense change does not adversely affect protein function. In summary, the available evidence is currently insufficient to determine the role of this variant in disease. Therefore, it has been classified as a Variant of Uncertain Significance.